The following is an entry in ClinVar:

ClinVar aggregate classification (germline): Likely benign. Review status: criteria provided, multiple submitters, no conflicts (2 of 4 stars). 2 submissions from 2 submitters: Likely benign (2). Last evaluated 2025-06-03.

Conditions:
Autosomal recessive spinocerebellar ataxia 12. Also called: SPINOCEREBELLAR ATAXIA WITH MENTAL RETARDATION AND EPILEPSY. Identifiers: Orphanet 284282, MedGen C3280452, MONDO:0013687, OMIM 614322.
Developmental and epileptic encephalopathy, 1 (DEE1). Also called: Epileptic encephalopathy, early infantile, 1; X-linked infantile spasms; West's syndrome; Tonic spasms with clustering, arrest of psychomotor development and hypsarrhythmia on EEG; X-Linked Infantile Spasm Syndrome; OHTAHARA SYNDROME, X-LINKED. Identifiers: MedGen C3463992, MONDO:0010632, OMIM 308350. Disease mechanism: loss of function.

Allele frequency attached by ClinVar (database versions not stated): gnomAD exomes below 0.00001; TOPMed below 0.00001.
gnomAD v4.1: 2 of 1,614,094 alleles (0.00012%); highest among the groups gnomAD compares: Non-Finnish European, 0.00017%; no homozygotes.

Submissions (2):

Labcorp Genetics (formerly Invitae), Labcorp
Classification: Likely benign for Developmental and epileptic encephalopathy, 1; Autosomal recessive spinocerebellar ataxia 12. Last evaluated: 2025-06-03. Review status: criteria provided, single submitter. Criteria: Invitae Variant Classification Sherloc (09022015). Collection method: clinical testing. Allele origin: germline.

GeneDx
Classification: Likely benign. Last evaluated: 2016-04-08. Review status: criteria provided, single submitter. Criteria: GeneDx Variant Classification (06012015). Collection method: clinical testing. Allele origin: germline. Affected: yes.
Comment: This variant is considered likely benign or benign based on one or more of the following criteria: it is a conservative change, it occurs at a poorly conserved position in the protein, it is predicted to be benign by multiple in silico algorithms, and/or has population frequency not consistent with disease.

NM_016373.4(WWOX):c.1056+16C>A

Gene: WWOX (WW domain containing oxidoreductase; plus strand). Cytogenetic location: 16q23.1.
Variant type: single nucleotide variant.
Coding change: c.1056+16C>A on transcript NM_016373.4 (MANE Select); 16 bases into the intron after coding-DNA position 1056, C replaced by A.
Molecular consequence: intron variant.
Genome position (GRCh38, 1-based): chr16:78,432,768, C>A. VCF-style: chr16-78432768-C-A. GRCh37 (hg19) VCF-style: chr16-78466665-C-A.
Other names: c.717+16C>A (NM_001291997.2).
Identifiers: ClinVar variation 385245 (VCV000385245.3), dbSNP rs1045551368, ClinGen allele CA16607096.